The following is an entry in ClinVar:

NM_018489.3(ASH1L):c.5113A>G (p.Arg1705Gly)

Gene: ASH1L (ASH1 like histone lysine methyltransferase; minus strand). Cytogenetic location: 1q22.
Variant type: single nucleotide variant.
Coding change: c.5113A>G on transcript NM_018489.3 (MANE Select); coding-DNA position 5113, A replaced by G.
Protein change: p.Arg1705Gly; replaces arginine 1705 with glycine.
Molecular consequence: missense variant.
Genome position (GRCh38, 1-based): chr1:155,439,042, T>C on the plus strand (A>G on the coding strand, the complement: ASH1L is on the minus strand). VCF-style: chr1-155439042-T-C. GRCh37 (hg19) VCF-style: chr1-155408833-T-C.
Other names: c.5113A>G, p.Arg1705Gly (NM_001366177.2); short protein forms R1705G.
Identifiers: ClinVar variation 4537070 (VCV004537070.1).

ClinVar aggregate classification (germline): Uncertain significance (1 of 4 stars; one submission).

gnomAD v4.1: 3 of 1,609,510 alleles (0.00019%); highest among the groups gnomAD compares: Admixed American, 0.0051%; no homozygotes.

Submission:

Women's Health and Genetics/Laboratory Corporation of America, LabCorp
Classification: Uncertain significance. Last evaluated: 2025-11-04. Review status: criteria provided, single submitter. Criteria: LabCorp Variant Classification Summary - May 2015. Collection method: clinical testing. Allele origin: germline.
Comment: Variant summary: ASH1L c.5113A>G (p.Arg1705Gly) results in a non-conservative amino acid change in the encoded protein sequence. Algorithms developed to predict the effect of missense changes on protein structure and function are either unavailable or do not agree on the potential impact of this missense change. The variant allele was found at a frequency of 1.2e-05 in 247468 control chromosomes. The available data on variant occurrences in the general population are insufficient to allow any conclusion about variant significance. To our knowledge, no occurrence of c.5113A>G in individuals affected with ASH1L-related conditions and no experimental evidence demonstrating its impact on protein function have been reported. No submitters have cited clinical-significance assessments for this variant to ClinVar. Based on the evidence outlined above, the variant was classified as uncertain significance.